The following is an entry in ClinVar:

NM_014639.4(SKIC3):c.544-1G>A

Gene: SKIC3 (SKI3 subunit of superkiller complex; minus strand). Cytogenetic location: 5q15.
Variant type: single nucleotide variant.
Coding change: c.544-1G>A on transcript NM_014639.4 (MANE Select); the canonical splice acceptor site of the intron before coding-DNA position 544, G replaced by A.
Molecular consequence: splice acceptor variant.
Genome position (GRCh38, 1-based): chr5:95,537,142, C>T on the plus strand (G>A on the coding strand, the complement: SKIC3 is on the minus strand). VCF-style: chr5-95537142-C-T. GRCh37 (hg19) VCF-style: chr5-94872846-C-T.
Identifiers: ClinVar variation 2842390 (VCV002842390.3), dbSNP rs2530796932, ClinGen allele CA360442270.
Genomic context (GRCh38, chr5:95,537,142, plus strand): 5'-GTGATCTTCACTAGGAATCTTATCTGATAATCCCAGTGCATTCTCAAAAGCAGTAAAAAG[C>T]TGAAACAAATAAAAAAGCTATCATCTGTATCATACTTAAATGACAAATGATTAAATGTAT-3'

ClinVar aggregate classification (germline): Likely pathogenic (1 of 4 stars; one submission).

Submission:

Labcorp Genetics (formerly Invitae), Labcorp
Classification: Likely pathogenic. Last evaluated: 2023-03-03. Review status: criteria provided, single submitter. Criteria: Invitae Variant Classification Sherloc (09022015). Collection method: clinical testing. Allele origin: germline.
Comment: This sequence change affects an acceptor splice site in intron 8 of the TTC37 gene. It is expected to disrupt RNA splicing. Variants that disrupt the donor or acceptor splice site typically lead to a loss of protein function (PMID: 16199547), and loss-of-function variants in TTC37 are known to be pathogenic (PMID: 20176027, 21120949). This variant is not present in population databases (gnomAD no frequency). This variant has not been reported in the literature in individuals affected with TTC37-related conditions. Algorithms developed to predict the effect of sequence changes on RNA splicing suggest that this variant may disrupt the consensus splice site. In summary, the currently available evidence indicates that the variant is pathogenic, but additional data are needed to prove that conclusively. Therefore, this variant has been classified as Likely Pathogenic.

Literature cited by the submitters: PubMed 16199547; PubMed 20176027; PubMed 21120949.